The following is an entry in ClinVar:

ClinVar aggregate classification (germline): Likely pathogenic (1 of 4 stars; one submission).

Conditions:
Cardiovascular phenotype. Identifiers: MedGen CN230736.

Submission:

Ambry Genetics
Classification: Likely pathogenic for Cardiovascular phenotype. Last evaluated: 2023-05-23. Review status: criteria provided, single submitter. Criteria: Ambry Variant Classification Scheme 2023. Collection method: clinical testing. Allele origin: germline.
Comment: The c.18238_18250del13insGG variant, located in coding exon 73 of the TTN gene, results from the deletion of 13 nucleotides and insertion of two nucleotides causing a translational frameshift with a predicted alternate stop codon (p.K6080Gfs*8). This exon is located in the I-band region of the N2-B isoform of the titin protein and is constitutively expressed in TTN transcripts (percent spliced in or PSI 100%). This variant is considered to be rare based on population cohorts in the Genome Aggregation Database (gnomAD). This alteration is expected to result in loss of function by premature protein truncation or nonsense-mediated mRNA decay. While truncating variants in TTN are present in 1-3% of the general population, truncating variants in the A-band are the most common cause of dilated cardiomyopathy (DCM) (Herman DS et al. N. Engl. J. Med., 2012 Feb;366:619-28; Roberts AM et al. Sci Transl Med, 2015 Jan;7:270ra6). TTN truncating variants encoded in constitutive exons (PSI >90%) have been found to be significantly associated with DCM regardless of their position in titin (Schafer S et al. Nat. Genet., 2017 01;49:46-53). Based on the majority of available evidence to date, this variant is likely to be pathogenic.

NM_001267550.2(TTN):c.45433_45445delinsGG (p.Lys15145fs)

Genes: TTN (titin; minus strand), LOC126806427 (BRD4-independent group 4 enhancer GRCh37_chr2:179485777-179486976; plus strand). Cytogenetic location: 2q31.2.
Variant type: Indel.
Coding change: c.45433_45445delinsGG on transcript NM_001267550.2 (MANE Select); coding-DNA positions 45433 to 45445, AAAGAAAGCTTTC replaced by GG.
Protein change: p.Lys15145fs; shifts the reading frame from lysine 15145.
Molecular consequence: frameshift variant.
Genome position (GRCh38, 1-based): chr2:178,621,273-178,621,285, GAAAGCTTTCTTT replaced by CC on the plus strand (AAAGAAAGCTTTC replaced by GG on the coding strand, the reverse complement: TTN is on the minus strand). VCF-style: chr2-178621273-GAAAGCTTTCTTT-CC. GRCh37 (hg19) VCF-style: chr2-179486000-GAAAGCTTTCTTT-CC.
Other names: c.40510_40522delinsGG, p.Lys13504fs (NM_001256850.1); c.18238_18250delinsGG, p.Lys6080fs (NM_003319.4); c.37729_37741delinsGG, p.Lys12577fs (NM_133378.4); c.18613_18625delinsGG, p.Lys6205fs (NM_133432.3); c.18814_18826delinsGG, p.Lys6272fs (NM_133437.4); c.18238_18250del13insGG (NM_003319.4); short protein forms K12577fs, K6205fs, K13504fs, K6272fs, K6080fs, K15145fs.
Identifiers: ClinVar variation 2566427 (VCV002566427.2), dbSNP rs2471039916, ClinGen allele CA2580614497.